The following is an entry in ClinVar:

NM_000059.4(BRCA2):c.883G>A (p.Val295Ile)

Gene: BRCA2 (BRCA2 DNA repair associated; plus strand). Cytogenetic location: 13q13.1.
Variant type: single nucleotide variant.
Coding change: c.883G>A on transcript NM_000059.4 (MANE Select); coding-DNA position 883, G replaced by A.
Protein change: p.Val295Ile; replaces valine 295 with isoleucine.
Molecular consequence: missense variant.
Genome position (GRCh38, 1-based): chr13:32,332,361, G>A. VCF-style: chr13-32332361-G-A. GRCh37 (hg19) VCF-style: chr13-32906498-G-A.
Other names: short protein forms V295I.
Identifiers: ClinVar variation 1172379 (VCV001172379.14), dbSNP rs1254525537, ClinGen allele CA387760644.

ClinVar aggregate classification (germline): Conflicting classifications of pathogenicity. Review status: criteria provided, conflicting classifications (1 of 4 stars). 6 submissions from 6 submitters: Uncertain significance (5); Likely benign (1). Last evaluated 2026-07-23.

Conditions:
Hereditary cancer-predisposing syndrome. Also called: Neoplastic Syndromes, Hereditary; Tumor predisposition; Hereditary Cancer Syndrome; Hereditary neoplastic syndrome. Identifiers: Orphanet 140162, MedGen C0027672, MeSH D009386, MONDO:0015356.
Hereditary breast ovarian cancer syndrome. Also called: Hereditary breast and ovarian cancer; BRCA1- and BRCA2-Associated Hereditary Breast and Ovarian Cancer; Hereditary breast and/or ovarian cancer syndrome; Breast and ovarian cancer; Hereditary breast and ovarian cancer syndrome; Hereditary breast and ovarian cancer syndrome (HBOC). Identifiers: Orphanet 145, MedGen C0677776, MeSH D061325, MONDO:0003582. Disease mechanism: loss of function.
BRCA2-related disorder. Also called: BRCA2-related condition; BRCA2-related disorders. Identifiers: MedGen CN239275.

Submissions (6):

Ambry Genetics
Classification: Uncertain significance for Hereditary cancer-predisposing syndrome. Last evaluated: 2026-07-23. Review status: criteria provided, single submitter. Criteria: Ambry Variant Classification Scheme 2023. Collection method: clinical testing. Allele origin: germline.
Comment: The p.V295I variant (also known as c.883G>A), located in coding exon 9 of the BRCA2 gene, results from a G to A substitution at nucleotide position 883. The valine at codon 295 is replaced by isoleucine, an amino acid with highly similar properties. This amino acid position is conserved. In addition, this alteration is predicted to be tolerated by in silico analysis. Based on the available evidence, the clinical significance of this variant remains unclear.

Labcorp Genetics (formerly Invitae), Labcorp
Classification: Uncertain significance for Hereditary breast ovarian cancer syndrome. Last evaluated: 2025-12-03. Review status: criteria provided, single submitter. Criteria: Invitae Variant Classification Sherloc (09022015). Collection method: clinical testing. Allele origin: germline.
Comment: This sequence change replaces valine, which is neutral and non-polar, with isoleucine, which is neutral and non-polar, at codon 295 of the BRCA2 protein (p.Val295Ile). This variant is not present in population databases (gnomAD no frequency). This variant has not been reported in the literature in individuals affected with BRCA2-related conditions. ClinVar contains an entry for this variant (Variation ID: 1172379). Invitae Evidence Modeling of protein sequence and biophysical properties (such as structural, functional, and spatial information, amino acid conservation, physicochemical variation, residue mobility, and thermodynamic stability) indicates that this missense variant is not expected to disrupt BRCA2 protein function with a negative predictive value of 95%. In summary, the available evidence is currently insufficient to determine the role of this variant in disease. Therefore, it has been classified as a Variant of Uncertain Significance.

Quest Diagnostics Nichols Institute San Juan Capistrano
Classification: Uncertain significance. Last evaluated: 2025-01-20. Review status: criteria provided, single submitter. Criteria: Quest Diagnostics criteria. Collection method: clinical testing. Allele origin: unknown.
Comment: The BRCA2 c.883G>A (p.Val295Ile) variant has been reported in the published literature in an individual with breast cancer (PMID: 33471991 (2021), see also LOVD), and described to be located in a region of the BRCA2 gene that is tolerant to missense sequence changes (PMID: 31911673 (2020)). This variant has not been reported in large, multi-ethnic general populations (Genome Aggregation Database). Analysis of this variant using bioinformatics tools for the prediction of the effect of amino acid changes on protein structure and function yielded predictions that this variant is benign. Based on the available information, we are unable to determine the clinical significance of this variant.

Color Diagnostics, LLC DBA Color Health
Classification: Uncertain significance for Hereditary cancer-predisposing syndrome. Last evaluated: 2024-03-06. Review status: criteria provided, single submitter. Criteria: ACMG Guidelines, 2015. Collection method: clinical testing. Allele origin: germline.
Comment: This missense variant replaces valine with isoleucine at codon 295 of the BRCA2 protein. Computational prediction suggests that this variant may not impact protein structure and function (internally defined REVEL score threshold <= 0.5, PMID: 27666373). To our knowledge, functional studies have not been reported for this variant. This variant has not been reported in individuals affected with hereditary cancer in the literature. This variant has not been identified in the general population by the Genome Aggregation Database (gnomAD). The available evidence is insufficient to determine the role of this variant in disease conclusively. Therefore, this variant is classified as a Variant of Uncertain Significance.

PreventionGenetics, part of Exact Sciences
Classification: Uncertain significance for BRCA2-related condition. Last evaluated: 2023-07-17. Review status: criteria provided, single submitter. Criteria: ACMG Guidelines, 2015. Collection method: clinical testing. Allele origin: germline.
Comment: The BRCA2 c.883G>A variant is predicted to result in the amino acid substitution p.Val295Ile. To our knowledge, this variant has not been reported in the literature or in a large population database, indicating this variant is rare. It is interpreted as uncertain significance in ClinVar. At this time, the clinical significance of this variant is uncertain due to the absence of conclusive functional and genetic evidence.

University of Washington Department of Laboratory Medicine, University of Washington
Classification: Likely benign for Hereditary cancer-predisposing syndrome. Last evaluated: 2023-03-23. Review status: criteria provided, single submitter. Criteria: Dines et al. (Genet Med. 2020). Collection method: curation. Allele origin: germline.
Comment: Missense variant in a coldspot region where missense variants are very unlikely to be pathogenic (PMID:31911673).

BRCA2 exon 10 coldspot. Reclassification based on statistical prior probability.

Literature cited by the submitters: PubMed 31911673 (cited by Quest Diagnostics Nichols Institute San Juan Capistrano); PubMed 33471991 (cited by Quest Diagnostics Nichols Institute San Juan Capistrano); PubMed 37264024 (cited by Quest Diagnostics Nichols Institute San Juan Capistrano).